The following is an entry in ClinVar:

ClinVar aggregate classification (germline): Uncertain significance (1 of 4 stars; one submission).

Conditions:
Inborn genetic diseases. Identifiers: MedGen C0950123, MeSH D030342.

gnomAD v4.1: 1 of 1,613,984 alleles (0.000062%); highest among the groups gnomAD compares: Non-Finnish European, 0.000085%; no homozygotes.

Submission:

Ambry Genetics
Classification: Uncertain significance for Inborn genetic diseases. Last evaluated: 2024-10-18. Review status: criteria provided, single submitter. Criteria: Ambry Variant Classification Scheme 2023. Collection method: clinical testing. Allele origin: germline.
Comment: The p.G1355R variant (also known as c.4063G>A), located in coding exon 22 of the ATR gene, results from a G to A substitution at nucleotide position 4063. The glycine at codon 1355 is replaced by arginine, an amino acid with dissimilar properties. This amino acid position is conserved. In addition, this alteration is predicted to be deleterious by in silico analysis. Based on the available evidence, the clinical significance of this variant remains unclear.

NM_001184.4(ATR):c.4063G>A (p.Gly1355Arg)

Gene: ATR (ATR serine/threonine kinase; minus strand). Cytogenetic location: 3q23.
Variant type: single nucleotide variant.
Coding change: c.4063G>A on transcript NM_001184.4 (MANE Select); coding-DNA position 4063, G replaced by A.
Protein change: p.Gly1355Arg; replaces glycine 1355 with arginine.
Molecular consequence: missense variant.
Genome position (GRCh38, 1-based): chr3:142,524,082, C>T on the plus strand (G>A on the coding strand, the complement: ATR is on the minus strand). VCF-style: chr3-142524082-C-T. GRCh37 (hg19) VCF-style: chr3-142242924-C-T.
Other names: c.3871G>A, p.Gly1291Arg (NM_001354579.2); short protein forms G1355R, G1291R.
Identifiers: ClinVar variation 3461767 (VCV003461767.1).